The following is an entry in ClinVar:

NM_001127464.1:c.5249C>G

Gene: ZNF469 (zinc finger protein 469; plus strand).
Variant type: single nucleotide variant.
Identifiers: ClinVar variation 4615463 (VCV004615463.1).

ClinVar aggregate classification (germline): Uncertain significance (1 of 4 stars; one submission).

Conditions:
Cardiovascular phenotype. Identifiers: MedGen CN230736.

Submission:

Ambry Genetics
Classification: Uncertain significance for Cardiovascular phenotype. Last evaluated: 2025-10-23. Review status: criteria provided, single submitter. Criteria: Ambry Variant Classification Scheme 2023. Collection method: clinical testing. Allele origin: germline.
Comment: The p.P1750R variant (also known as c.5249C>G), located in coding exon 2 of the ZNF469 gene, results from a C to G substitution at nucleotide position 5249. The proline at codon 1750 is replaced by arginine, an amino acid with dissimilar properties. This amino acid position is conserved. In addition, this alteration is predicted to be tolerated by in silico analysis. Based on the available evidence, the clinical significance of this variant remains unclear.